The following is an entry in ClinVar:

NM_000155.4(GALT):c.328+2T>G

Gene: GALT (galactose-1-phosphate uridylyltransferase; plus strand). Cytogenetic location: 9p13.3.
Variant type: single nucleotide variant.
Coding change: c.328+2T>G on transcript NM_000155.4 (MANE Select); the canonical splice donor site of the intron after coding-DNA position 328, T replaced by G.
Molecular consequence: splice donor variant. On other transcripts: intron variant (1).
Genome position (GRCh38, 1-based): chr9:34,647,569, T>G. VCF-style: chr9-34647569-T-G. GRCh37 (hg19) VCF-style: chr9-34647566-T-G.
Other names: c.51-263T>G (NM_001258332.2); c.328+2T>G (NM_000155.3).
Identifiers: ClinVar variation 1992665 (VCV001992665.5), dbSNP rs111033849, ClinGen allele CA373280196.

ClinVar aggregate classification (germline): Pathogenic/Likely pathogenic. Review status: criteria provided, multiple submitters, no conflicts (2 of 4 stars). 2 submissions from 2 submitters: Pathogenic (1); Likely pathogenic (1). Last evaluated 2025-03-24.

Conditions:
Galactosemia. Also called: Galactose intolerance. Identifiers: Orphanet 352, MedGen C0016952, MONDO:0018116, HP:0004919. Disease mechanism: loss of function.
Deficiency of UDPglucose-hexose-1-phosphate uridylyltransferase. Also called: Transferase Deficiency Galactosemia; GALACTOSEMIA I; GALACTOSE-1-PHOSPHATE URIDYLYLTRANSFERASE DEFICIENCY; GALT deficiency; Galactosemia, classic. Identifiers: Orphanet 352, Orphanet 79239, MedGen C0268151, MONDO:0009258, OMIM 230400.

Submissions (2):

Natera, Inc.
Classification: Pathogenic for Galactosemia. Last evaluated: 2025-03-24. Review status: criteria provided, single submitter. Criteria: Natera Variant Classification Schema (03/2026). Collection method: clinical testing. Allele origin: germline.
Comment: The c.328+2T>G variant in GALT is a canonical splice donor site variant predicted to affect pre-mRNA splicing, which may result in an abnormal transcript and altered protein product. This variant is expected to result in nonsense mediated decay, truncation, or a dysfunctional protein product. This variant is rare in the general population with a frequency below the threshold expected for the associated phenotype(s). Another variant at this same site results in an alteration predicted to cause a similar molecular effect has been observed in individual(s) with the associated phenotype. Given the available evidence, this variant is classified as Pathogenic.

Labcorp Genetics (formerly Invitae), Labcorp
Classification: Likely pathogenic for Deficiency of UDPglucose-hexose-1-phosphate uridylyltransferase. Last evaluated: 2022-05-10. Review status: criteria provided, single submitter. Criteria: Invitae Variant Classification Sherloc (09022015). Collection method: clinical testing. Allele origin: germline.
Comment: This variant is not present in population databases (gnomAD no frequency). This sequence change affects a donor splice site in intron 3 of the GALT gene. It is expected to disrupt RNA splicing. Variants that disrupt the donor or acceptor splice site typically lead to a loss of protein function (PMID: 16199547), and loss-of-function variants in GALT are known to be pathogenic (PMID: 22944367). In summary, the currently available evidence indicates that the variant is pathogenic, but additional data are needed to prove that conclusively. Therefore, this variant has been classified as Likely Pathogenic. Algorithms developed to predict the effect of sequence changes on RNA splicing suggest that this variant may disrupt the consensus splice site. Disruption of this splice site has been observed in individual(s) with classical galactosemia (PMID: 19375122).

Literature cited by the submitters: PubMed 16199547 (cited by Labcorp Genetics (formerly Invitae), Labcorp); PubMed 22944367 (cited by Labcorp Genetics (formerly Invitae), Labcorp); PubMed 19375122 (cited by Labcorp Genetics (formerly Invitae), Labcorp).